The following is an entry in ClinVar:

NM_144687.4(NLRP12):c.1524_1525dup (p.Tyr509fs)

Gene: NLRP12 (NLR family pyrin domain containing 12; minus strand). Cytogenetic location: 19q13.42.
Variant type: Duplication.
Coding change: c.1524_1525dup on transcript NM_144687.4 (MANE Select); coding-DNA positions 1524 to 1525, 2 bases duplicated (GT; older notation c.1524_1525dupGT).
Protein change: p.Tyr509fs; shifts the reading frame from tyrosine 509.
Molecular consequence: frameshift variant.
Genome position (GRCh38, 1-based): chr19:53,810,134-53,810,135, AC duplicated on the plus strand (GT on the coding strand, the reverse complement: NLRP12 is on the minus strand). VCF-style (leftmost placement, unchanged base first): chr19-53810133-T-TAC. GRCh37 (hg19) VCF-style: chr19-54313387-T-TAC.
Other names: c.1524_1525dup, p.Tyr509fs (NM_001277126.2, NM_001277129.1); short protein forms Y509fs.
Identifiers: ClinVar variation 2995923 (VCV002995923.3), dbSNP rs997456560, ClinGen allele CA310068924.
Genomic context (GRCh38, chr19:53,810,133, plus strand): 5'-TCCAGGATATAGTACATAGCTGCAAAGAATTCCTGGAAACTCAAGTGGATGAAGCTGTAG[T>TAC]ACCTCTCACAGTTGATGTCCTTCTGGAAGATGTTCATGTTGAGGAAGGCAGAGACGTCTT-3'

ClinVar aggregate classification (germline): Uncertain significance (1 of 4 stars; one submission).

Conditions:
Familial cold autoinflammatory syndrome 2 (FCAS2). Identifiers: Orphanet 247868, MedGen C2673198, MONDO:0012724, OMIM 611762.

Allele frequency attached by ClinVar (database versions not stated): gnomAD exomes below 0.00001; TOPMed 0.00002; gnomAD 0.00003.

Submission:

Labcorp Genetics (formerly Invitae), Labcorp
Classification: Uncertain significance for Familial cold autoinflammatory syndrome 2. Last evaluated: 2023-06-25. Review status: criteria provided, single submitter. Criteria: Invitae Variant Classification Sherloc (09022015). Collection method: clinical testing. Allele origin: germline.
Comment: This sequence change creates a premature translational stop signal (p.Tyr509Cysfs*8) in the NLRP12 gene. It is expected to result in an absent or disrupted protein product. However, the current clinical and genetic evidence is not sufficient to establish whether loss-of-function variants in NLRP12 cause disease. In summary, the available evidence is currently insufficient to determine the role of this variant in disease. Therefore, it has been classified as a Variant of Uncertain Significance. This variant has not been reported in the literature in individuals affected with NLRP12-related conditions. This variant is present in population databases (no rsID available, gnomAD 0.01%).